The following is an entry in ClinVar:

ClinVar aggregate classification (germline): Uncertain significance (1 of 4 stars; one submission).

Conditions:
Charcot-Marie-Tooth Neuropathy X. Identifiers: MedGen CN118851.

Submission:

Labcorp Genetics (formerly Invitae), Labcorp
Classification: Uncertain significance for Charcot-Marie-Tooth Neuropathy X. Last evaluated: 2018-01-07. Review status: criteria provided, single submitter. Criteria: Invitae Variant Classification Sherloc (09022015). Collection method: clinical testing. Allele origin: germline.
Comment: This variant has not been reported in the literature in individuals with GJB1-related disease. This sequence change replaces asparagine with isoleucine at codon 14 of the GJB1 protein (p.Asn14Ile). The asparagine residue is highly conserved and there is a large physicochemical difference between asparagine and isoleucine. This variant is not present in population databases (ExAC no frequency). Algorithms developed to predict the effect of missense changes on protein structure and function do not agree on the potential impact of this missense change (SIFT: "Deleterious"; PolyPhen-2: "Probably Damaging"; Align-GVGD: "Class C0"). In summary, the available evidence is currently insufficient to determine the role of this variant in disease. Therefore, it has been classified as a Variant of Uncertain Significance.

NM_000166.6(GJB1):c.41A>T (p.Asn14Ile)

Gene: GJB1 (gap junction protein beta 1; plus strand). Cytogenetic location: Xq13.1.
Variant type: single nucleotide variant.
Coding change: c.41A>T on transcript NM_000166.6 (MANE Select); coding-DNA position 41, A replaced by T.
Protein change: p.Asn14Ile; replaces asparagine 14 with isoleucine.
Molecular consequence: missense variant.
Genome position (GRCh38, 1-based): chrX:71,223,748, A>T. VCF-style: chrX-71223748-A-T. GRCh37 (hg19) VCF-style: chrX-70443598-A-T.
Other names: c.41A>T, p.Asn14Ile (NM_001097642.3); short protein forms N14I.
Identifiers: ClinVar variation 566930 (VCV000566930.7), dbSNP rs1569214995, ClinGen allele CA413499502.
Genomic context (GRCh38, chrX:71,223,748, plus strand): 5'-GCAGGTGTGAATGAGGCAGGATGAACTGGACAGGTTTGTACACCTTGCTCAGTGGCGTGA[A>T]CCGGCATTCTACTGCCATTGGCCGAGTATGGCTCTCGGTCATCTTCATCTTCAGAATCAT-3'
Protein context (NP_000157.1, residues 4-24): TGLYTLLSGV[Asn14Ile]RHSTAIGRVW